The following is an entry in ClinVar:

ClinVar aggregate classification (germline): Pathogenic (1 of 4 stars; one submission).

Conditions:
Spastic paraplegia. Identifiers: MedGen C0037772, HP:0001258.

Submission:

Labcorp Genetics (formerly Invitae), Labcorp
Classification: Pathogenic for Spastic paraplegia. Last evaluated: 2023-04-18. Review status: criteria provided, single submitter. Criteria: Invitae Variant Classification Sherloc (09022015). Collection method: clinical testing. Allele origin: germline.
Comment: This sequence change creates a premature translational stop signal (p.Ser544Leufs*24) in the ZFYVE26 gene. It is expected to result in an absent or disrupted protein product. Loss-of-function variants in ZFYVE26 are known to be pathogenic (PMID: 18394578, 19805727). This variant is present in population databases (no rsID available, gnomAD 0.004%). This premature translational stop signal has been observed in individual(s) with clinical features of ZFYVE26-related conditions (PMID: 27457812). For these reasons, this variant has been classified as Pathogenic.

Literature cited by the submitters: PubMed 18394578; PubMed 19805727; PubMed 27457812.

NM_015346.4(ZFYVE26):c.1630_1631del (p.Ser544fs)

Gene: ZFYVE26 (zinc finger FYVE-type containing 26; minus strand). Cytogenetic location: 14q24.1.
Variant type: Microsatellite.
Coding change: c.1630_1631del on transcript NM_015346.4 (MANE Select); coding-DNA positions 1630 to 1631, 2 bases deleted (TC; older notation c.1630_1631delTC).
Protein change: p.Ser544fs; shifts the reading frame from serine 544.
Molecular consequence: frameshift variant.
Genome position (GRCh38, 1-based): chr14:67,802,087-67,802,088, GA deleted on the plus strand (TC on the coding strand, the reverse complement: ZFYVE26 is on the minus strand); deleting any 2 consecutive bases within chr14:67,802,087-67,802,095 gives the same sequence; the c. name uses the placement nearest the transcript's 3' end. VCF-style (leftmost placement, unchanged base first): chr14-67802086-GGA-G. GRCh37 (hg19) VCF-style: chr14-68268803-GGA-G.
Other names: short protein forms S544fs.
Identifiers: ClinVar variation 2736121 (VCV002736121.4), dbSNP rs1338331744, ClinGen allele CA615188686.